The following is an entry in ClinVar:

NM_013266.4(CTNNA3):c.2231G>C (p.Arg744Thr)

Gene: CTNNA3 (catenin alpha 3; minus strand). Cytogenetic location: 10q21.3.
Variant type: single nucleotide variant.
Coding change: c.2231G>C on transcript NM_013266.4 (MANE Select); coding-DNA position 2231, G replaced by C.
Protein change: p.Arg744Thr; replaces arginine 744 with threonine.
Molecular consequence: missense variant.
Genome position (GRCh38, 1-based): chr10:65,988,726, C>G on the plus strand (G>C on the coding strand, the complement: CTNNA3 is on the minus strand). VCF-style: chr10-65988726-C-G. GRCh37 (hg19) VCF-style: chr10-67748484-C-G.
Other names: c.2231G>C, p.Arg744Thr (NM_001127384.3); short protein forms R744T.
Identifiers: ClinVar variation 4869502 (VCV004869502.1).
Genomic context (GRCh38, chr10:65,988,726, plus strand): 5'-ATGATGTCCACTTGTAAGTAACTCACCTGATTAGCAATCTGCCGAGCAAGGACATCCATC[C>G]TTGATCCTGATTCTGATATCATTTTCGCTGCATAGATCACATCAGTTGTATGCTTTAGTG-3'
Protein context (NP_037398.2, residues 734-754): AAKMISESGS[Arg744Thr]MDVLARQIAN

ClinVar aggregate classification (germline): Uncertain significance (1 of 4 stars; one submission).

gnomAD v4.1: 1 of 1,613,932 alleles (0.000062%); highest among the groups gnomAD compares: Non-Finnish European, 0.000085%; no homozygotes.

Submission:

Ambry Genetics
Classification: Uncertain significance. Last evaluated: 2026-04-20. Review status: criteria provided, single submitter. Criteria: Ambry Variant Classification Scheme 2023. Collection method: clinical testing. Allele origin: germline.
Comment: The p.R744T variant (also known as c.2231G>C), located in coding exon 15 of the CTNNA3 gene, results from a G to C substitution at nucleotide position 2231. The arginine at codon 744 is replaced by threonine, an amino acid with similar properties. This amino acid position is conserved. In addition, the in silico prediction for this alteration is inconclusive. Based on the available evidence, the clinical significance of this variant remains unclear.